The following is an entry in ClinVar:

ClinVar aggregate classification (germline): Uncertain significance. Review status: criteria provided, single submitter (1 of 4 stars). 2 submissions from 2 submitters: Uncertain significance (1). 1 of the submissions does not count toward it. Last evaluated 2021-08-27.

Conditions:
Fanconi anemia (FA). Also called: Fanconi's anemia. Identifiers: Orphanet 84, MedGen C0015625, MeSH D005199, MONDO:0019391.

Allele frequency attached by ClinVar (database versions not stated): ExAC 0.00001; gnomAD exomes 0.00001; TOPMed 0.00001; gnomAD 0.00002.
gnomAD v4.1: 24 of 1,614,112 alleles (0.0015%); highest among the groups gnomAD compares: Non-Finnish European, 0.0019%; no homozygotes.

Submissions (2):

Labcorp Genetics (formerly Invitae), Labcorp
Classification: Uncertain significance for Fanconi anemia. Last evaluated: 2021-08-27. Review status: criteria provided, single submitter. Criteria: Invitae Variant Classification Sherloc (09022015). Collection method: clinical testing. Allele origin: germline.
Comment: This sequence change replaces serine with asparagine at codon 367 of the FANCA protein (p.Ser367Asn). The serine residue is moderately conserved and there is a small physicochemical difference between serine and asparagine. This variant is present in population databases (rs764286584, ExAC 0.001%). This variant has not been reported in the literature in individuals affected with FANCA-related conditions. Algorithms developed to predict the effect of missense changes on protein structure and function output the following: SIFT: "Tolerated"; PolyPhen-2: "Benign"; Align-GVGD: "Class C0". The asparagine amino acid residue is found in multiple mammalian species, which suggests that this missense change does not adversely affect protein function. In summary, the available evidence is currently insufficient to determine the role of this variant in disease. Therefore, it has been classified as a Variant of Uncertain Significance.

Natera, Inc.
Classification: Uncertain significance for Fanconi anemia. Last evaluated: 2019-10-28. Review status: no assertion criteria provided. Collection method: clinical testing. Allele origin: germline. Not counted in ClinVar's aggregate classification.

NM_000135.4(FANCA):c.1100G>A (p.Ser367Asn)

Gene: FANCA (FA complementation group A; minus strand). Cytogenetic location: 16q24.3.
Variant type: single nucleotide variant.
Coding change: c.1100G>A on transcript NM_000135.4 (MANE Select); coding-DNA position 1100, G replaced by A.
Protein change: p.Ser367Asn; replaces serine 367 with asparagine.
Molecular consequence: missense variant.
Genome position (GRCh38, 1-based): chr16:89,792,052, C>T on the plus strand (G>A on the coding strand, the complement: FANCA is on the minus strand). VCF-style: chr16-89792052-C-T. GRCh37 (hg19) VCF-style: chr16-89858460-C-T.
Other names: c.1100G>A (LRG_495t1); c.1100G>A, p.Ser367Asn (NM_001286167.3); short protein forms S367N.
Identifiers: ClinVar variation 526420 (VCV000526420.9), dbSNP rs764286584, ClinGen allele CA8252507.